The following is an entry in ClinVar:

ClinVar aggregate classification (germline): Uncertain significance. Review status: criteria provided, multiple submitters, no conflicts (2 of 4 stars). 2 submissions from 2 submitters: Uncertain significance (2). Last evaluated 2026-05-12.

Conditions:
Inborn genetic diseases. Identifiers: MedGen C0950123, MeSH D030342.

Allele frequency attached by ClinVar (database versions not stated): ESP Exome Variant Server 0.00015; gnomAD exomes below 0.00001; TOPMed 0.00002; gnomAD 0.00001; ExAC 0.00002.

Submissions (2):

Ambry Genetics
Classification: Uncertain significance for Inborn genetic diseases. Last evaluated: 2026-05-12. Review status: criteria provided, single submitter. Criteria: Ambry Variant Classification Scheme 2023. Collection method: clinical testing. Allele origin: germline.
Comment: The p.N131S variant (also known as c.392A>G), located in coding exon 3 of the MBD4 gene, results from an A to G substitution at nucleotide position 392. The asparagine at codon 131 is replaced by serine, an amino acid with highly similar properties. This amino acid position is not well conserved in available vertebrate species. In addition, this alteration is predicted to be tolerated by in silico analysis. Based on the available evidence, the clinical significance of this variant remains unclear.

Labcorp Genetics (formerly Invitae), Labcorp
Classification: Uncertain significance. Last evaluated: 2025-10-27. Review status: criteria provided, single submitter. Criteria: Invitae Variant Classification Sherloc (09022015). Collection method: clinical testing. Allele origin: germline.
Comment: This sequence change replaces asparagine, which is neutral and polar, with serine, which is neutral and polar, at codon 131 of the MBD4 protein (p.Asn131Ser). This variant is present in population databases (rs371283287, gnomAD 0.0009%). This variant has not been reported in the literature in individuals affected with MBD4-related conditions. ClinVar contains an entry for this variant (Variation ID: 2822196). An algorithm developed to predict the effect of missense changes on protein structure and function outputs the following: PolyPhen-2: "Benign". The serine amino acid residue is found in multiple mammalian species, which suggests that this missense change does not adversely affect protein function. In summary, the available evidence is currently insufficient to determine the role of this variant in disease. Therefore, it has been classified as a Variant of Uncertain Significance.

NM_001276270.2(MBD4):c.392A>G (p.Asn131Ser)

Gene: MBD4 (methyl-CpG binding domain 4, DNA glycosylase; minus strand). Cytogenetic location: 3q21.3.
Variant type: single nucleotide variant.
Coding change: c.392A>G on transcript NM_001276270.2 (MANE Select); coding-DNA position 392, A replaced by G.
Protein change: p.Asn131Ser; replaces asparagine 131 with serine.
Molecular consequence: missense variant. On other transcripts: intron variant (1).
Genome position (GRCh38, 1-based): chr3:129,437,252, T>C on the plus strand (A>G on the coding strand, the complement: MBD4 is on the minus strand). VCF-style: chr3-129437252-T-C. GRCh37 (hg19) VCF-style: chr3-129156095-T-C.
Other names: c.392A>G, p.Asn131Ser (NM_001276271.2, NM_001276272.2, NM_003925.3); c.247+556A>G (NM_001276273.2); short protein forms N131S.
Identifiers: ClinVar variation 2822196 (VCV002822196.4), dbSNP rs371283287, ClinGen allele CA2605531.